The following is an entry in ClinVar:

ClinVar aggregate classification (germline): Uncertain significance. Review status: criteria provided, multiple submitters, no conflicts (2 of 4 stars). 2 submissions from 2 submitters: Uncertain significance (2). Last evaluated 2023-12-04.

Conditions:
Arrhythmogenic right ventricular cardiomyopathy (ARVD). Also called: Arrhythmogenic cardiomyopathy; Cardiomyopathy, ARVC; Arrhythmogenic right ventricular dysplasia; Arrhythmogenic Right Ventricular Cardiomyopathy (ARVC). Identifiers: Orphanet 247, MedGen C0349788, MeSH D019571, MONDO:0016587. Disease mechanism: loss of function. Inheritance: Various modes of inheritance.
Cardiomyopathy (CMYO). Also called: Cardiomyopathies. Identifiers: Orphanet 167848, MedGen C0878544, MONDO:0004994, HP:0001638. Inheritance: Various modes of inheritance.

Submissions (2):

Color Diagnostics, LLC DBA Color Health
Classification: Uncertain significance for Cardiomyopathy. Last evaluated: 2023-12-04. Review status: criteria provided, single submitter. Criteria: ACMG Guidelines, 2015. Collection method: clinical testing. Allele origin: germline.
Comment: Variant of Uncertain Significance due to insufficient evidence: This missense variant is located in the C-terminal cytoplasmic domain of the DSG2 protein. Computational prediction tools and conservation analyses are inconclusive regarding the impact of this variant on the protein function. Computational splicing tools suggest that this variant may not impact RNA splicing. To our knowledge, functional assays have not been performed for this variant nor has this variant been reported in individuals affected with cardiovascular disorders in the literature. This variant is rare in the general population and has been identified in 0/277264 chromosomes by the Genome Aggregation Database (gnomAD). Available evidence is insufficient to determine the role of this variant in disease conclusively.

All of Us Research Program, National Institutes of Health
Classification: Uncertain significance for Arrhythmogenic right ventricular cardiomyopathy. Last evaluated: 2023-04-27. Review status: criteria provided, single submitter. Criteria: ACMG Guidelines, 2015. Collection method: clinical testing. Allele origin: germline. Inheritance: Autosomal dominant inheritance. Observed: 1 variant allele, 1 heterozygote.
Comment: Variant of Uncertain Significance due to insufficient evidence: This missense variant is located in the C-terminal cytoplasmic domain of the DSG2 protein. Computational prediction tools and conservation analyses are inconclusive regarding the impact of this variant on the protein function. Computational splicing tools suggest that this variant may not impact RNA splicing. To our knowledge, functional assays have not been performed for this variant nor has this variant been reported in individuals affected with cardiovascular disorders in the literature. This variant is rare in the general population and has been identified in 0/277264 chromosomes by the Genome Aggregation Database (gnomAD). Available evidence is insufficient to determine the role of this variant in disease conclusively.

This study involves interpretation of variants in research participants for the purpose of population health screening. Participant phenotype was not available at the time of variant classification. Additional details can be found in publication PMID: 35346344, PMCID: PMC8962531

NM_001943.5(DSG2):c.3341A>C (p.Gln1114Pro)

Genes: DSG2-AS1 (DSG2 antisense RNA 1; minus strand), DSG2 (desmoglein 2; plus strand). Cytogenetic location: 18q12.1.
Variant type: single nucleotide variant.
Coding change: c.3341A>C on transcript NM_001943.5 (MANE Select); coding-DNA position 3341, A replaced by C.
Protein change: p.Gln1114Pro; replaces glutamine 1114 with proline.
Molecular consequence: missense variant.
Genome position (GRCh38, 1-based): chr18:31,546,727, A>C. VCF-style: chr18-31546727-A-C. GRCh37 (hg19) VCF-style: chr18-29126690-A-C.
Other names: short protein forms Q1114P.
Identifiers: ClinVar variation 927739 (VCV000927739.6), dbSNP rs2073315223, ClinGen allele CA402149518.